The following is an entry in ClinVar:

ClinVar aggregate classification (germline): Uncertain significance (1 of 4 stars; one submission).

Conditions:
Autosomal recessive limb-girdle muscular dystrophy type 2W (MDRCMTT). Also called: Muscular dystrophy, autosomal recessive, with cardiomyopathy and triangular tongue; Muscular dystrophy, limb-girdle, type 2W. Identifiers: MedGen C4225192, MONDO:0014788, OMIM 616827.

gnomAD v4.1: 29 of 1,570,280 alleles (0.0018%); highest among the groups gnomAD compares: South Asian, 0.0046%; no homozygotes.

Submission:

Labcorp Genetics (formerly Invitae), Labcorp
Classification: Uncertain significance for Autosomal recessive limb-girdle muscular dystrophy type 2W. Last evaluated: 2025-06-02. Review status: criteria provided, single submitter. Criteria: Invitae Variant Classification Sherloc (09022015). Collection method: clinical testing. Allele origin: germline.
Comment: This sequence change replaces arginine, which is basic and polar, with cysteine, which is neutral and slightly polar, at codon 200 of the LIMS2 protein (p.Arg200Cys). The frequency data for this variant in the population databases is considered unreliable, as metrics indicate poor data quality at this position in the gnomAD database. This variant has not been reported in the literature in individuals affected with LIMS2-related conditions. ClinVar contains an entry for this variant (Variation ID: 3673197). Invitae Evidence Modeling of protein sequence and biophysical properties (such as structural, functional, and spatial information, amino acid conservation, physicochemical variation, residue mobility, and thermodynamic stability) has been performed for this missense variant. However, the output from this modeling did not meet the statistical confidence thresholds required to predict the impact of this variant on LIMS2 protein function. In summary, the available evidence is currently insufficient to determine the role of this variant in disease. Therefore, it has been classified as a Variant of Uncertain Significance.

NM_001161403.3(LIMS2):c.532C>T (p.Arg178Cys)

Gene: LIMS2 (LIM zinc finger domain containing 2; minus strand). Cytogenetic location: 2q14.3.
Variant type: single nucleotide variant.
Coding change: c.532C>T on transcript NM_001161403.3 (MANE Select); coding-DNA position 532, C replaced by T.
Protein change: p.Arg178Cys; replaces arginine 178 with cysteine.
Molecular consequence: missense variant.
Genome position (GRCh38, 1-based): chr2:127,642,177, G>A on the plus strand (C>T on the coding strand, the complement: LIMS2 is on the minus strand). VCF-style: chr2-127642177-G-A. GRCh37 (hg19) VCF-style: chr2-128399752-G-A.
Other names: c.598C>T, p.Arg200Cys (NM_001136037.4); c.517C>T, p.Arg173Cys (NM_001161404.2); c.76C>T, p.Arg26Cys (NM_001256542.2); c.604C>T, p.Arg202Cys (NM_017980.5); short protein forms R200C, R26C, R178C, R173C, R202C.
Identifiers: ClinVar variation 3673197 (VCV003673197.2).